The following is an entry in ClinVar:

ClinVar aggregate classification (germline): Pathogenic. Review status: criteria provided, multiple submitters, no conflicts (2 of 4 stars). 3 submissions from 3 submitters: Pathogenic (3). Last evaluated 2024-06-04.

Conditions:
Hereditary breast ovarian cancer syndrome. Also called: Hereditary breast and ovarian cancer; Hereditary breast and ovarian cancer syndrome (HBOC); BRCA1- and BRCA2-Associated Hereditary Breast and Ovarian Cancer; Breast and ovarian cancer; Hereditary breast and ovarian cancer syndrome; Hereditary breast and/or ovarian cancer syndrome. Identifiers: Orphanet 145, MedGen C0677776, MeSH D061325, MONDO:0003582. Disease mechanism: loss of function.
Hereditary cancer-predisposing syndrome. Also called: Tumor predisposition; Neoplastic Syndromes, Hereditary; Hereditary Cancer Syndrome; Hereditary neoplastic syndrome. Identifiers: Orphanet 140162, MedGen C0027672, MeSH D009386, MONDO:0015356.
Fanconi anemia complementation group D1. Also called: BRCA2-Related Fanconi Anemia. Identifiers: Orphanet 319462, MedGen C1838457, MONDO:0011584, OMIM 605724.

Submissions (3):

Color Diagnostics, LLC DBA Color Health
Classification: Pathogenic for Hereditary cancer-predisposing syndrome. Last evaluated: 2024-06-04. Review status: criteria provided, single submitter. Criteria: ACMG Guidelines, 2015. Collection method: clinical testing. Allele origin: germline.
Comment: This variant deletes 1 nucleotide in exon 15 of the BRCA2 gene, creating a frameshift and premature translation stop signal. This variant is expected to result in an absent or non-functional protein product. This variant has been reported in at least ten individuals affected with breast cancer (PMID: 30014164, 30207912, 31558676, 35278150) and in at least two related individuals with clinical features of Fanconi Anemia (PMID: 30207912, 31558676). This variant has not been identified in the general population by the Genome Aggregation Database (gnomAD). Loss of BRCA2 function is a known mechanism of disease. Based on the available evidence, this variant is classified as Pathogenic.

Labcorp Genetics (formerly Invitae), Labcorp
Classification: Pathogenic for Hereditary breast ovarian cancer syndrome. Last evaluated: 2022-11-16. Review status: criteria provided, single submitter. Criteria: Invitae Variant Classification Sherloc (09022015). Collection method: clinical testing. Allele origin: germline.
Comment: This sequence change creates a premature translational stop signal (p.Val2527*) in the BRCA2 gene. It is expected to result in an absent or disrupted protein product. Loss-of-function variants in BRCA2 are known to be pathogenic (PMID: 20104584). This variant is not present in population databases (gnomAD no frequency). For these reasons, this variant has been classified as Pathogenic. ClinVar contains an entry for this variant (Variation ID: 491326). This premature translational stop signal has been observed in individual(s) with breast cancer and/or clinical features of Fanconi anemia (PMID: 30014164, 30207912, 31558676).

Medical Genetics Institute, Shaare Zedek Medical Center
Classification: Pathogenic for Fanconi anemia complementation group D1. Last evaluated: 2018-04-01. Review status: criteria provided, single submitter. Criteria: Medical Genetics Institute assertion criteria. Collection method: research. Allele origin: maternal. Affected: yes. Observed: 4 variant alleles.

Literature cited by the submitters: PubMed 30014164 (cited by Color Diagnostics, LLC DBA Color Health and Labcorp Genetics (formerly Invitae), Labcorp); PubMed 30207912 (cited by 3 submitters); PubMed 31558676 (cited by Color Diagnostics, LLC DBA Color Health and Labcorp Genetics (formerly Invitae), Labcorp); PubMed 35278150 (cited by Color Diagnostics, LLC DBA Color Health); PubMed 20104584 (cited by Labcorp Genetics (formerly Invitae), Labcorp).

NM_000059.4(BRCA2):c.7579del (p.Ala2526_Val2527insTer)

Gene: BRCA2 (BRCA2 DNA repair associated; plus strand). Cytogenetic location: 13q13.1.
Variant type: Deletion.
Coding change: c.7579del on transcript NM_000059.4 (MANE Select); coding-DNA position 7579, one base deleted (G; older notation c.7579delG).
Protein change: p.Ala2526_Val2527insTer.
Molecular consequence: nonsense.
Genome position (GRCh38, 1-based): chr13:32,356,571, G deleted. VCF-style (leftmost placement, unchanged base first): chr13-32356570-AG-A. GRCh37 (hg19) VCF-style: chr13-32930707-AG-A.
Other names: c.7579delG (NM_000059.3).
Identifiers: ClinVar variation 491326 (VCV000491326.15), dbSNP rs1555286294, ClinGen allele CA658683852.